The following is an entry in ClinVar:

ClinVar aggregate classification (germline): Uncertain significance (1 of 4 stars; one submission).

Conditions:
Breast-ovarian cancer, familial, susceptibility to, 2 (BROVCA2). Also called: BRCA2 Hereditary Breast and Ovarian Cancer. Identifiers: Orphanet 145, MedGen C2675520, MONDO:0012933, OMIM 612555. Disease mechanism: loss of function.

Submission:

All of Us Research Program, National Institutes of Health
Classification: Uncertain significance for Breast-ovarian cancer, familial, susceptibility to, 2. Last evaluated: 2023-09-17. Review status: criteria provided, single submitter. Criteria: ACMG Guidelines, 2015. Collection method: clinical testing. Allele origin: germline. Inheritance: Autosomal dominant inheritance. Observed: 1 variant allele, 1 heterozygote.
Comment: This missense variant replaces serine with alanine at codon 708 of the BRCA2 protein. Computational prediction suggests that this variant may not impact protein structure and function (internally defined REVEL score threshold <= 0.5, PMID: 27666373). To our knowledge, functional studies have not been reported for this variant. This variant has not been reported in individuals affected with BRCA2-related disorders in the literature. This variant has not been identified in the general population by the Genome Aggregation Database (gnomAD). The available evidence is insufficient to determine the role of this variant in disease conclusively. Therefore, this variant is classified as a Variant of Uncertain Significance.

This study involves interpretation of variants in research participants for the purpose of population health screening. Participant phenotype was not available at the time of variant classification. Additional details can be found in publication PMID: 35346344, PMCID: PMC8962531

NM_000059.4(BRCA2):c.2122T>G (p.Ser708Ala)

Gene: BRCA2 (BRCA2 DNA repair associated; plus strand). Cytogenetic location: 13q13.1.
Variant type: single nucleotide variant.
Coding change: c.2122T>G on transcript NM_000059.4 (MANE Select); coding-DNA position 2122, T replaced by G.
Protein change: p.Ser708Ala; replaces serine 708 with alanine.
Molecular consequence: missense variant. On other transcripts: non-coding transcript variant (1), intron variant (2).
Genome position (GRCh38, 1-based): chr13:32,336,477, T>G. VCF-style: chr13-32336477-T-G. GRCh37 (hg19) VCF-style: chr13-32910614-T-G.
Other names: c.2122T>G, p.Ser708Ala (NM_001406719.1, NM_001406720.1); c.1909+3090T>G (NM_001406721.1); c.424+5447T>G (NM_001406722.1); short protein forms S708A.
Identifiers: ClinVar variation 3073463 (VCV003073463.1), dbSNP rs80358488, ClinGen allele CA387770038.